The following is an entry in ClinVar:

NM_000875.5(IGF1R):c.3594C>T (p.Phe1198=)

Gene: IGF1R (insulin like growth factor 1 receptor; plus strand). Cytogenetic location: 15q26.3.
Variant type: single nucleotide variant.
Coding change: c.3594C>T on transcript NM_000875.5 (MANE Select); coding-DNA position 3594, C replaced by T.
Protein change: p.Phe1198=; no amino-acid change (phenylalanine 1198 retained).
Molecular consequence: synonymous variant.
Genome position (GRCh38, 1-based): chr15:98,948,580, C>T. VCF-style: chr15-98948580-C-T. GRCh37 (hg19) VCF-style: chr15-99491809-C-T.
Other names: c.3591C>T, p.Phe1197= (NM_001291858.2).
Identifiers: ClinVar variation 317458 (VCV000317458.39), dbSNP rs35701313, ClinGen allele CA7752741.

ClinVar aggregate classification (germline): Conflicting classifications of pathogenicity. Review status: criteria provided, conflicting classifications (1 of 4 stars). 6 submissions from 6 submitters: Uncertain significance (1); Benign (1); Likely benign (4). Last evaluated 2026-07-01.

Conditions:
Growth delay due to insulin-like growth factor I resistance. Also called: Insulin-Like Growth Factor I Resistance; IGF-I RESISTANCE; Somatomedin end-organ insensitivity to; Somatomedin-c resistance to; IGF-1 resistance. Identifiers: Orphanet 73273, MedGen C1849157, MONDO:0010038, OMIM 270450.
Inborn genetic diseases. Identifiers: MedGen C0950123, MeSH D030342.

Allele frequency attached by ClinVar (database versions not stated): 1000 Genomes Project 0.00040; 1000 Genomes Project 30x 0.00062; ExAC 0.00079; gnomAD exomes 0.00086 and 0.00163; TOPMed 0.00100; gnomAD 0.00103 and 0.00104; ESP Exome Variant Server 0.00139.
gnomAD v4.1: 2,562 of 1,614,000 alleles (0.16%); highest among the groups gnomAD compares: Non-Finnish European, 0.2%; 2 homozygotes.

Submissions (6):

Ambry Genetics
Classification: Likely benign for Inborn genetic diseases. Last evaluated: 2026-07-01. Review status: criteria provided, single submitter. Criteria: Ambry Variant Classification Scheme 2023. Collection method: clinical testing. Allele origin: germline.

CeGaT Center for Human Genetics Tuebingen
Classification: Likely benign. Last evaluated: 2026-03-01. Review status: criteria provided, single submitter. Criteria: CeGaT Center For Human Genetics Tuebingen Variant Classification Criteria Version 2. Collection method: clinical testing. Allele origin: germline. Affected: yes. Observed: 12 variant alleles.
Comment: IGF1R: BP4, BP7

Labcorp Genetics (formerly Invitae), Labcorp
Classification: Benign. Last evaluated: 2025-12-01. Review status: criteria provided, single submitter. Criteria: Invitae Variant Classification Sherloc (09022015). Collection method: clinical testing. Allele origin: germline.

Blueprint Genetics
Classification: Likely benign. Last evaluated: 2024-11-26. Review status: criteria provided, single submitter. Criteria: ACMG Guidelines, 2015. Collection method: clinical testing. Allele origin: germline.

Women's Health and Genetics/Laboratory Corporation of America, LabCorp
Classification: Likely benign. Last evaluated: 2024-09-30. Review status: criteria provided, single submitter. Criteria: LabCorp Variant Classification Summary - May 2015. Collection method: clinical testing. Allele origin: germline.

Illumina Laboratory Services, Illumina
Classification: Uncertain significance for Growth delay due to insulin-like growth factor I resistance. Last evaluated: 2018-01-12. Review status: criteria provided, single submitter. Criteria: ICSL Variant Classification Criteria 13 December 2019. Collection method: clinical testing. Allele origin: germline.